The following is an entry in ClinVar:

NM_001363540.2(DOCK4):c.758C>T (p.Pro253Leu)

Gene: DOCK4 (dedicator of cytokinesis 4; minus strand). Cytogenetic location: 7q31.1.
Variant type: single nucleotide variant.
Coding change: c.758C>T on transcript NM_001363540.2 (MANE Select); coding-DNA position 758, C replaced by T.
Protein change: p.Pro253Leu; replaces proline 253 with leucine.
Molecular consequence: missense variant.
Genome position (GRCh38, 1-based): chr7:111,945,742, G>A on the plus strand (C>T on the coding strand, the complement: DOCK4 is on the minus strand). VCF-style: chr7-111945742-G-A. GRCh37 (hg19) VCF-style: chr7-111585797-G-A.
Other names: c.758C>T, p.Pro253Leu (NM_014705.4); short protein forms P253L.
Identifiers: ClinVar variation 2627584 (VCV002627584.2), dbSNP rs202096330, ClinGen allele CA4442677.

ClinVar aggregate classification (germline): Uncertain significance (1 of 4 stars; one submission).

Conditions:
Neurodevelopmental disorder. Identifiers: MedGen C1535926, MeSH D065886, MONDO:0700092.

Allele frequency attached by ClinVar (database versions not stated): 1000 Genomes Project 30x 0.00016; 1000 Genomes Project 0.00020; gnomAD 0.00027; TOPMed 0.00030; ESP Exome Variant Server 0.00034; gnomAD exomes 0.00054; ExAC 0.00076.
gnomAD v4.1: 819 of 1,598,354 alleles (0.051%); highest among the groups gnomAD compares: Non-Finnish European, 0.065%; no homozygotes.

Submission:

Institute of Human Genetics, University of Leipzig Medical Center
Classification: Uncertain significance for Neurodevelopmental disorder. Last evaluated: 2024-02-12. Review status: criteria provided, single submitter. Criteria: ACMG Guidelines, 2015. Collection method: clinical testing. Allele origin: paternal. Affected: yes.
Comment: Criteria applied: PS3_MOD This variant was identified together with the variant NM_014705.4:c.3131T>C, p.Met1044Thr

Literature cited by the submitters: DOI 10.1007/s00439-024-02655-4.